The following is an entry in ClinVar:

NM_001127671.2(LIFR):c.954C>T (p.Thr318=)

Gene: LIFR (LIF receptor subunit alpha; minus strand). Cytogenetic location: 5p13.1.
Variant type: single nucleotide variant.
Coding change: c.954C>T on transcript NM_001127671.2 (MANE Select); coding-DNA position 954, C replaced by T.
Protein change: p.Thr318=; no amino-acid change (threonine 318 retained).
Molecular consequence: synonymous variant.
Genome position (GRCh38, 1-based): chr5:38,510,501, G>A on the plus strand (C>T on the coding strand, the complement: LIFR is on the minus strand). VCF-style: chr5-38510501-G-A. GRCh37 (hg19) VCF-style: chr5-38510603-G-A.
Other names: c.954C>T, p.Thr318= (NM_001364297.2, NM_001364298.2, NM_002310.6).
Identifiers: ClinVar variation 281191 (VCV000281191.58), dbSNP rs61748202, ClinGen allele CA3243082.

ClinVar aggregate classification (germline): Benign/Likely benign. Review status: criteria provided, multiple submitters, no conflicts (2 of 4 stars). 10 submissions from 10 submitters: Benign (4); Likely benign (5). 1 of the submissions does not count toward it. Last evaluated 2026-04-03.

Conditions:
Connective tissue disorder. Also called: Connective tissue disease. Identifiers: MedGen C0009782, MONDO:0003900.
Stuve-Wiedemann syndrome (STWS). Also called: Stüve-Wiedemann syndrome. Identifiers: Orphanet 3206, MedGen C0796176, MONDO:0031280.

Allele frequency attached by ClinVar (database versions not stated): 1000 Genomes Project 0.00200; 1000 Genomes Project 30x 0.00203; ESP Exome Variant Server 0.00361; TOPMed 0.00362; gnomAD 0.00419 and 0.00421; gnomAD exomes 0.00427; ExAC 0.00455.
gnomAD v4.1: 7,765 of 1,613,270 alleles (0.48%); highest among the groups gnomAD compares: Non-Finnish European, 0.54%; 30 homozygotes.

Submissions (10):

Women's Health and Genetics/Laboratory Corporation of America, LabCorp
Classification: Benign. Last evaluated: 2026-04-03. Review status: criteria provided, single submitter. Criteria: LabCorp Variant Classification Summary - May 2015. Collection method: clinical testing. Allele origin: germline.

Labcorp Genetics (formerly Invitae), Labcorp
Classification: Benign. Last evaluated: 2026-02-04. Review status: criteria provided, single submitter. Criteria: Invitae Variant Classification Sherloc (09022015). Collection method: clinical testing. Allele origin: germline.

CeGaT Center for Human Genetics Tuebingen
Classification: Likely benign. Last evaluated: 2025-12-01. Review status: criteria provided, single submitter. Criteria: CeGaT Center For Human Genetics Tuebingen Variant Classification Criteria Version 2. Collection method: clinical testing. Allele origin: germline. Affected: yes. Observed: 5 variant alleles.
Comment: LIFR: BP4, BP7, BS2

Blueprint Genetics
Classification: Likely benign. Last evaluated: 2024-11-22. Review status: criteria provided, single submitter. Criteria: ACMG Guidelines, 2015. Collection method: clinical testing. Allele origin: germline.

ARUP Laboratories, Molecular Genetics and Genomics, ARUP Laboratories
Classification: Benign for Stüve-Wiedemann syndrome 1. Last evaluated: 2021-11-30. Review status: criteria provided, single submitter. Criteria: ARUP Molecular Germline Variant Investigation Process 2021. Collection method: clinical testing. Allele origin: germline.

GeneDx
Classification: Likely benign. Last evaluated: 2021-08-02. Review status: criteria provided, single submitter. Criteria: GeneDx Variant Classification Process June 2021. Collection method: clinical testing. Allele origin: germline. Affected: yes.

Genome Diagnostics Laboratory, The Hospital for Sick Children
Classification: Benign for Connective tissue disorder. Last evaluated: 2020-06-01. Review status: criteria provided, single submitter. Criteria: ACMG Guidelines, 2015. Collection method: clinical testing. Allele origin: germline.

Illumina Laboratory Services, Illumina
Classification: Likely benign for Stüve-Wiedemann syndrome 1. Last evaluated: 2018-01-13. Review status: criteria provided, single submitter. Criteria: ICSL Variant Classification Criteria 13 December 2019. Collection method: clinical testing. Allele origin: germline.
Comment: This variant was observed in the ICSL laboratory as part of a predisposition screen in an ostensibly healthy population. It had not been previously curated by ICSL or reported in the Human Gene Mutation Database (HGMD: prior to June 1st, 2018), and was therefore a candidate for classification through an automated scoring system. Utilizing variant allele frequency, disease prevalence and penetrance estimates, and inheritance mode, an automated score was calculated to assess if this variant is too frequent to cause the disease. Based on the score and internal cut-off values, a variant classified as likely benign is not then subjected to further curation. The score for this variant resulted in a classification of likely benign for this disease.

Eurofins Ntd Llc (ga)
Classification: Likely benign. Last evaluated: 2015-12-07. Review status: criteria provided, single submitter. Criteria: EGL Classification Definitions 2015. Collection method: clinical testing. Allele origin: germline. Observed: 3 variant alleles, 3 heterozygotes.

Natera, Inc.
Classification: Benign for Stuve-Wiedemann syndrome. Last evaluated: 2020-09-16. Review status: no assertion criteria provided. Collection method: clinical testing. Allele origin: germline. Not counted in ClinVar's aggregate classification.